The following is an entry in ClinVar:

ClinVar aggregate classification (germline): Pathogenic (1 of 4 stars; one submission).

Conditions:
Congenital diarrhea 5 with tufting enteropathy. Also called: INTESTINAL EPITHELIAL CELL DYSPLASIA; Congenital tufting enteropathy. Identifiers: Orphanet 92050, MedGen C2750737, MONDO:0013184, OMIM 613217.

Submission:

Aleixo Muise Laboratory, Hospital For Sick Children
Classification: Pathogenic for Congenital diarrhea 5 with tufting enteropathy. Last evaluated: 2024-07-05. Review status: criteria provided, single submitter. Criteria: ACMG Guidelines, 2015. Collection method: research. Allele origin: germline. Affected: yes. Observed: 1 variant allele.
Comment: PVS1;PM2;PM3;PM5;PP3;PP4

NM_002354.3(EPCAM):c.589C>T (p.Gln197Ter)

Gene: EPCAM (epithelial cell adhesion molecule; plus strand). Cytogenetic location: 2p21.
Variant type: single nucleotide variant.
Coding change: c.589C>T on transcript NM_002354.3 (MANE Select); coding-DNA position 589, C replaced by T.
Protein change: p.Gln197Ter; replaces glutamine 197 with a stop codon.
Molecular consequence: nonsense.
Genome position (GRCh38, 1-based): chr2:47,378,986, C>T. VCF-style: chr2-47378986-C-T. GRCh37 (hg19) VCF-style: chr2-47606125-C-T.
Other names: short protein forms Q197*.
Identifiers: ClinVar variation 3255336 (VCV003255336.1).
Genomic context (GRCh38, chr2:47,378,986, plus strand): 5'-TTTGTATTATTCAATTTTTTTCCCCAGTATGAGAATAATGTTATCACTATTGATCTGGTT[C>T]AAAATTCTTCTCAAAAAACTCAGAATGATGTGGACATAGCTGATGTGGCTTATTATTTTG-3'